The following is an entry in ClinVar:

NM_000535.7(PMS2):c.2406A>G (p.Arg802=)

Gene: PMS2 (PMS1 homolog 2, mismatch repair system component; minus strand). Cytogenetic location: 7p22.1.
Variant type: single nucleotide variant.
Coding change: c.2406A>G on transcript NM_000535.7 (MANE Select); coding-DNA position 2406, A replaced by G.
Protein change: p.Arg802=; no amino-acid change (arginine 802 retained).
Molecular consequence: synonymous variant. On other transcripts: non-coding transcript variant (1).
Genome position (GRCh38, 1-based): chr7:5,977,627, T>C on the plus strand (A>G on the coding strand, the complement: PMS2 is on the minus strand). VCF-style: chr7-5977627-T-C. GRCh37 (hg19) VCF-style: chr7-6017258-T-C.
Other names: c.2001A>G, p.Arg667= (NM_001322003.2, NM_001322004.2, NM_001322005.2); c.2250A>G, p.Arg750= (NM_001322006.2); c.2088A>G, p.Arg696= (NM_001322007.2, NM_001322008.2); c.2034A>G, p.Arg678= (NM_001322009.2); c.1845A>G, p.Arg615= (NM_001322010.2); c.1473A>G, p.Arg491= (NM_001322011.2, NM_001322012.2); c.1833A>G, p.Arg611= (NM_001322013.2); c.2439A>G, p.Arg813= (NM_001322014.2); and 1 more.
Identifiers: ClinVar variation 763342 (VCV000763342.11), dbSNP rs1583279849, ClinGen allele CA453642337.
Genomic context (GRCh38, chr7:5,977,627, plus strand): 5'-AGCCAGGCTTTCTTTACTTACCGACTTCCGGCAGGCTCTGGAGGCAAACATCTGCTTGAC[T>C]CGGGAAGGCCGGCACATGACCCCAGGGCTGTCGCTCAGCATGAAGATCAGTTCATCGACG-3'
Protein context (NP_000526.2, residues 792-812): DSPGVMCRPS[Arg802=]VKQMFASRAC

ClinVar aggregate classification (germline): Benign/Likely benign. Review status: criteria provided, multiple submitters, no conflicts (2 of 4 stars). 2 submissions from 2 submitters: Benign (1); Likely benign (1). Last evaluated 2025-02-04.

Conditions:
Hereditary nonpolyposis colorectal neoplasms. Identifiers: MedGen C0009405, MeSH D003123.
Lynch syndrome 4 (LYNCH4). Also called: Hereditary non-polyposis colorectal cancer, type 4; Colorectal cancer, hereditary nonpolyposis, type 4. Identifiers: Orphanet 144, MedGen C1838333, MONDO:0013699, OMIM 614337. Disease mechanism: loss of function.

Submissions (2):

Myriad Genetics, Inc.
Classification: Benign for Lynch syndrome 4. Last evaluated: 2025-02-04. Review status: criteria provided, single submitter. Criteria: Myriad Autosomal Dominant, Autosomal Recessive and X-Linked Classification Criteria (2023). Collection method: clinical testing. Allele origin: unknown.
Comment: This variant is considered benign. This variant is a silent/synonymous amino acid change and it is not expected to impact splicing.

Labcorp Genetics (formerly Invitae), Labcorp
Classification: Likely benign for Hereditary nonpolyposis colorectal neoplasms. Last evaluated: 2022-11-15. Review status: criteria provided, single submitter. Criteria: Invitae Variant Classification Sherloc (09022015). Collection method: clinical testing. Allele origin: germline.